The following is an entry in ClinVar:

ClinVar aggregate classification (germline): Uncertain significance (1 of 4 stars; one submission).

Conditions:
KBG syndrome (KBGS). Also called: ANKRD11-Related KBG Syndrome. Identifiers: Orphanet 2332, MedGen C0220687, MONDO:0007846, OMIM 148050.

Allele frequency attached by ClinVar (database versions not stated): gnomAD exomes 0.00001.
gnomAD v4.1: 14 of 1,612,660 alleles (0.00087%); highest among the groups gnomAD compares: Non-Finnish European, 0.0011%; no homozygotes.

Submission:

Labcorp Genetics (formerly Invitae), Labcorp
Classification: Uncertain significance for KBG syndrome. Last evaluated: 2023-07-21. Review status: criteria provided, single submitter. Criteria: Invitae Variant Classification Sherloc (09022015). Collection method: clinical testing. Allele origin: germline.
Comment: This sequence change replaces asparagine, which is neutral and polar, with tyrosine, which is neutral and polar, at codon 2175 of the ANKRD11 protein (p.Asn2175Tyr). This variant is present in population databases (no rsID available, gnomAD 0.002%). This variant has not been reported in the literature in individuals affected with ANKRD11-related conditions. Advanced modeling of protein sequence and biophysical properties (such as structural, functional, and spatial information, amino acid conservation, physicochemical variation, residue mobility, and thermodynamic stability) performed at Invitae indicates that this missense variant is not expected to disrupt ANKRD11 protein function. In summary, the available evidence is currently insufficient to determine the role of this variant in disease. Therefore, it has been classified as a Variant of Uncertain Significance.

NM_013275.6(ANKRD11):c.6523A>T (p.Asn2175Tyr)

Gene: ANKRD11 (ankyrin repeat domain 11; minus strand). Cytogenetic location: 16q24.3.
Variant type: single nucleotide variant.
Coding change: c.6523A>T on transcript NM_013275.6 (MANE Select); coding-DNA position 6523, A replaced by T.
Protein change: p.Asn2175Tyr; replaces asparagine 2175 with tyrosine.
Molecular consequence: missense variant.
Genome position (GRCh38, 1-based): chr16:89,280,019, T>A on the plus strand (A>T on the coding strand, the complement: ANKRD11 is on the minus strand). VCF-style: chr16-89280019-T-A. GRCh37 (hg19) VCF-style: chr16-89346427-T-A.
Other names: c.6523A>T, p.Asn2175Tyr (NM_001256182.2, NM_001256183.2); short protein forms N2175Y.
Identifiers: ClinVar variation 2781885 (VCV002781885.3), dbSNP rs1282378101, ClinGen allele CA397150792.